The following is an entry in ClinVar:

NM_001999.4(FBN2):c.5899C>T (p.His1967Tyr)

Gene: FBN2 (fibrillin 2; minus strand). Cytogenetic location: 5q23.3.
Variant type: single nucleotide variant.
Coding change: c.5899C>T on transcript NM_001999.4 (MANE Select); coding-DNA position 5899, C replaced by T.
Protein change: p.His1967Tyr; replaces histidine 1967 with tyrosine.
Molecular consequence: missense variant.
Genome position (GRCh38, 1-based): chr5:128,302,991, G>A on the plus strand (C>T on the coding strand, the complement: FBN2 is on the minus strand). VCF-style: chr5-128302991-G-A. GRCh37 (hg19) VCF-style: chr5-127638683-G-A.
Other names: short protein forms H1967Y.
Identifiers: ClinVar variation 528443 (VCV000528443.11), dbSNP rs369652475, ClinGen allele CA3394562.

ClinVar aggregate classification (germline): Conflicting classifications of pathogenicity. Review status: criteria provided, conflicting classifications (1 of 4 stars). 2 submissions from 2 submitters: Uncertain significance (1); Likely benign (1). Last evaluated 2023-02-17.

Conditions:
Congenital contractural arachnodactyly (CCA). Also called: Beals-Hecht syndrome; BEALS SYNDROME; Arthrogryposis, distal, type 9. Identifiers: Orphanet 115, MedGen C0220668, MONDO:0007363, OMIM 121050.
Familial thoracic aortic aneurysm and aortic dissection (TAAD). Also called: Thoracic aortic aneurysms and dissections. Identifiers: Orphanet 91387, MedGen C4707243, MONDO:0019625.

Allele frequency attached by ClinVar (database versions not stated): TOPMed below 0.00001; gnomAD 0.00001 and 0.00003; ESP Exome Variant Server 0.00008; gnomAD exomes 0.00016; ExAC 0.00021.
gnomAD v4.1: 125 of 1,577,590 alleles (0.0079%); highest among the groups gnomAD compares: South Asian, 0.13%; 3 homozygotes.

Submissions (2):

Ambry Genetics
Classification: Uncertain significance for Familial thoracic aortic aneurysm and aortic dissection. Last evaluated: 2023-02-17. Review status: criteria provided, single submitter. Criteria: Ambry Variant Classification Scheme 2023. Collection method: clinical testing. Allele origin: germline.
Comment: The p.H1967Y variant (also known as c.5899C>T), located in coding exon 46 of the FBN2 gene, results from a C to T substitution at nucleotide position 5899. The histidine at codon 1967 is replaced by tyrosine, an amino acid with similar properties. This amino acid position is well conserved in available vertebrate species. In addition, the in silico prediction for this alteration is inconclusive. Since supporting evidence is limited at this time, the clinical significance of this alteration remains unclear.

Labcorp Genetics (formerly Invitae), Labcorp
Classification: Likely benign for Congenital contractural arachnodactyly. Last evaluated: 2022-03-22. Review status: criteria provided, single submitter. Criteria: Invitae Variant Classification Sherloc (09022015). Collection method: clinical testing. Allele origin: germline.